The following is an entry in ClinVar:

NM_000343.4(SLC5A1):c.625G>A (p.Val209Met)

Gene: SLC5A1 (solute carrier family 5 member 1; plus strand). Cytogenetic location: 22q12.3.
Variant type: single nucleotide variant.
Coding change: c.625G>A on transcript NM_000343.4 (MANE Select); coding-DNA position 625, G replaced by A.
Protein change: p.Val209Met; replaces valine 209 with methionine.
Molecular consequence: missense variant.
Genome position (GRCh38, 1-based): chr22:32,083,115, G>A. VCF-style: chr22-32083115-G-A. GRCh37 (hg19) VCF-style: chr22-32479102-G-A.
Other names: c.244G>A, p.Val82Met (NM_001256314.2); short protein forms V209M, V82M.
Identifiers: ClinVar variation 1708700 (VCV001708700.2), dbSNP rs150117594, ClinGen allele CA411302820.
Genomic context (GRCh38, chr22:32,083,115, plus strand): 5'-TGTCTTCTTGCCTGCTTAGGGGGCCTGGCGGCGGTGATTTACACGGACACCTTGCAGACG[G>A]TGATCATGCTGGTGGGGTCTTTAATCCTGACTGGGTTTGGTAAGTGGGGCCAGGGCAGGC-3'
Protein context (NP_000334.1, residues 199-219): AVIYTDTLQT[Val209Met]IMLVGSLILT

ClinVar aggregate classification (germline): Uncertain significance (1 of 4 stars; one submission).

Submission:

GeneDx
Classification: Uncertain significance. Last evaluated: 2022-04-08. Review status: criteria provided, single submitter. Criteria: GeneDx Variant Classification Process June 2021. Collection method: clinical testing. Allele origin: germline. Affected: yes.
Comment: Not observed at significant frequency in large population cohorts (gnomAD); In silico analysis supports that this missense variant does not alter protein structure/function; Has not been previously published as pathogenic or benign to our knowledge